The following is an entry in ClinVar:

NM_020433.5(JPH2):c.1142G>T (p.Arg381Leu)

Gene: JPH2 (junctophilin 2; minus strand). Cytogenetic location: 20q13.12.
Variant type: single nucleotide variant.
Coding change: c.1142G>T on transcript NM_020433.5 (MANE Select); coding-DNA position 1142, G replaced by T.
Protein change: p.Arg381Leu; replaces arginine 381 with leucine.
Molecular consequence: missense variant.
Genome position (GRCh38, 1-based): chr20:44,159,645, C>A on the plus strand (G>T on the coding strand, the complement: JPH2 is on the minus strand). VCF-style: chr20-44159645-C-A. GRCh37 (hg19) VCF-style: chr20-42788285-C-A.
Other names: c.1142G>T (NM_020433.4); short protein forms R381L.
Identifiers: ClinVar variation 1378670 (VCV001378670.4), dbSNP rs746668155, ClinGen allele CA9868737.

ClinVar aggregate classification (germline): Uncertain significance. Review status: criteria provided, multiple submitters, no conflicts (2 of 4 stars). 3 submissions from 3 submitters: Uncertain significance (3). Last evaluated 2023-03-22.

Conditions:
Hypertrophic cardiomyopathy. Also called: HYPERTROPHIC MYOCARDIOPATHY. Identifiers: Orphanet 217569, MedGen C0007194, MeSH D002312, MONDO:0005045, HP:0001639.
Cardiovascular phenotype. Identifiers: MedGen CN230736.
JPH2-related disorder. Also called: JPH2-related condition.

Allele frequency attached by ClinVar (database versions not stated): gnomAD 0.00001; gnomAD exomes 0.00002; ExAC 0.00003.
gnomAD v4.1: 7 of 1,606,048 alleles (0.00044%); highest among the groups gnomAD compares: Admixed American, 0.012%; no homozygotes.

Submissions (3):

PreventionGenetics, part of Exact Sciences
Classification: Uncertain significance for JPH2-related condition. Last evaluated: 2023-03-22. Review status: criteria provided, single submitter. Criteria: ACMG Guidelines, 2015. Collection method: clinical testing. Allele origin: germline.
Comment: The JPH2 c.1142G>T variant is predicted to result in the amino acid substitution p.Arg381Leu. To our knowledge, this variant has not been reported in the literature. This variant is reported in 0.017% of alleles in individuals of Latino descent in gnomAD. At this time, the clinical significance of this variant is uncertain due to the absence of conclusive functional and genetic evidence.

Ambry Genetics
Classification: Uncertain significance for Cardiovascular phenotype. Last evaluated: 2023-03-13. Review status: criteria provided, single submitter. Criteria: Ambry Variant Classification Scheme 2023. Collection method: clinical testing. Allele origin: germline.

Labcorp Genetics (formerly Invitae), Labcorp
Classification: Uncertain significance for Hypertrophic cardiomyopathy. Last evaluated: 2021-08-27. Review status: criteria provided, single submitter. Criteria: Invitae Variant Classification Sherloc (09022015). Collection method: clinical testing. Allele origin: germline.
Comment: This sequence change replaces arginine with leucine at codon 381 of the JPH2 protein (p.Arg381Leu). The arginine residue is moderately conserved and there is a moderate physicochemical difference between arginine and leucine. This variant is present in population databases (rs746668155, ExAC 0.03%). This variant has not been reported in the literature in individuals affected with JPH2-related conditions. Algorithms developed to predict the effect of missense changes on protein structure and function are either unavailable or do not agree on the potential impact of this missense change (SIFT: "Tolerated"; PolyPhen-2: "Possibly Damaging"; Align-GVGD: "Class C0"). In summary, the available evidence is currently insufficient to determine the role of this variant in disease. Therefore, it has been classified as a Variant of Uncertain Significance.